The following is an entry in ClinVar:

NM_000113.3(TOR1A):c.942C>G (p.Phe314Leu)

Gene: TOR1A (torsin family 1 member A; minus strand). Cytogenetic location: 9q34.11.
Variant type: single nucleotide variant.
Coding change: c.942C>G on transcript NM_000113.3 (MANE Select); coding-DNA position 942, C replaced by G.
Protein change: p.Phe314Leu; replaces phenylalanine 314 with leucine.
Molecular consequence: missense variant.
Genome position (GRCh38, 1-based): chr9:129,814,029, G>C on the plus strand (C>G on the coding strand, the complement: TOR1A is on the minus strand). VCF-style: chr9-129814029-G-C. GRCh37 (hg19) VCF-style: chr9-132576308-G-C.
Other names: short protein forms F314L.
Identifiers: ClinVar variation 3617179 (VCV003617179.2).

ClinVar aggregate classification (germline): Uncertain significance (1 of 4 stars; one submission).

Conditions:
Dystonic disorder. Also called: Dystonia. Identifiers: MedGen C0013421, MONDO:0003441, HP:0001332.

gnomAD v4.1: 1 of 1,614,132 alleles (0.000062%); highest among the groups gnomAD compares: Admixed American, 0.0017%; no homozygotes.

Submission:

Labcorp Genetics (formerly Invitae), Labcorp
Classification: Uncertain significance for Dystonic disorder. Last evaluated: 2024-08-06. Review status: criteria provided, single submitter. Criteria: Invitae Variant Classification Sherloc (09022015). Collection method: clinical testing. Allele origin: germline.
Comment: This sequence change replaces phenylalanine, which is neutral and non-polar, with leucine, which is neutral and non-polar, at codon 314 of the TOR1A protein (p.Phe314Leu). This variant is not present in population databases (gnomAD no frequency). This variant has not been reported in the literature in individuals affected with TOR1A-related conditions. Advanced modeling of protein sequence and biophysical properties (such as structural, functional, and spatial information, amino acid conservation, physicochemical variation, residue mobility, and thermodynamic stability) performed at Invitae indicates that this missense variant is not expected to disrupt TOR1A protein function with a negative predictive value of 80%. In summary, the available evidence is currently insufficient to determine the role of this variant in disease. Therefore, it has been classified as a Variant of Uncertain Significance.